The following is an entry in ClinVar:

ClinVar aggregate classification (germline): Uncertain significance. Review status: criteria provided, multiple submitters, no conflicts (2 of 4 stars). 2 submissions from 2 submitters: Uncertain significance (2). Last evaluated 2025-11-28.

Conditions:
Hereditary pulmonary alveolar proteinosis. Also called: Pulmonary surfactant metabolism dysfunction. Identifiers: Orphanet 264675, MedGen C3711368, MONDO:0012580.

gnomAD v4.1: 23 of 1,613,958 alleles (0.0014%); highest among the groups gnomAD compares: Admixed American, 0.013%; no homozygotes.

Submissions (2):

Labcorp Genetics (formerly Invitae), Labcorp
Classification: Uncertain significance. Last evaluated: 2025-11-28. Review status: criteria provided, single submitter. Criteria: Invitae Variant Classification Sherloc (09022015). Collection method: clinical testing. Allele origin: germline.
Comment: This sequence change replaces arginine, which is basic and polar, with histidine, which is basic and polar, at codon 98 of the ABCA3 protein (p.Arg98His). This variant is present in population databases (rs149050042, gnomAD 0.03%). This variant has not been reported in the literature in individuals affected with ABCA3-related conditions. ClinVar contains an entry for this variant (Variation ID: 4263029). Invitae Evidence Modeling of protein sequence and biophysical properties (such as structural, functional, and spatial information, amino acid conservation, physicochemical variation, residue mobility, and thermodynamic stability) indicates that this missense variant is not expected to disrupt ABCA3 protein function with a negative predictive value of 80%. In summary, the available evidence is currently insufficient to determine the role of this variant in disease. Therefore, it has been classified as a Variant of Uncertain Significance.

Ambry Genetics
Classification: Uncertain significance for Hereditary pulmonary alveolar proteinosis. Last evaluated: 2025-08-19. Review status: criteria provided, single submitter. Criteria: Ambry Variant Classification Scheme 2023. Collection method: clinical testing. Allele origin: germline.
Comment: The p.R98H variant (also known as c.293G>A), located in coding exon 2 of the ABCA3 gene, results from a G to A substitution at nucleotide position 293. The arginine at codon 98 is replaced by histidine, an amino acid with highly similar properties. This amino acid position is conserved. In addition, this alteration is predicted to be tolerated by in silico analysis. Based on the available evidence, the clinical significance of this variant remains unclear.

NM_001089.3(ABCA3):c.293G>A (p.Arg98His)

Gene: ABCA3 (ATP binding cassette subfamily A member 3; minus strand). Cytogenetic location: 16p13.3.
Variant type: single nucleotide variant.
Coding change: c.293G>A on transcript NM_001089.3 (MANE Select); coding-DNA position 293, G replaced by A.
Protein change: p.Arg98His; replaces arginine 98 with histidine.
Molecular consequence: missense variant.
Genome position (GRCh38, 1-based): chr16:2,326,036, C>T on the plus strand (G>A on the coding strand, the complement: ABCA3 is on the minus strand). VCF-style: chr16-2326036-C-T. GRCh37 (hg19) VCF-style: chr16-2376037-C-T.
Other names: short protein forms R98H.
Identifiers: ClinVar variation 4263029 (VCV004263029.2).